The following is an entry in ClinVar:

NM_006218.4(PIK3CA):c.834G>A (p.Met278Ile)

Gene: PIK3CA (phosphatidylinositol-4,5-bisphosphate 3-kinase catalytic subunit alpha; plus strand). Cytogenetic location: 3q26.32.
Variant type: single nucleotide variant.
Coding change: c.834G>A on transcript NM_006218.4 (MANE Select); coding-DNA position 834, G replaced by A.
Protein change: p.Met278Ile; replaces methionine 278 with isoleucine.
Molecular consequence: missense variant.
Genome position (GRCh38, 1-based): chr3:179,203,564, G>A. VCF-style: chr3-179203564-G-A. GRCh37 (hg19) VCF-style: chr3-178921352-G-A.
Other names: short protein forms M278I.
Identifiers: ClinVar variation 3225380 (VCV003225380.2), dbSNP rs2108392545, ClinGen allele CA355279733.

ClinVar aggregate classification (germline): Uncertain significance. Review status: criteria provided, multiple submitters, no conflicts (2 of 4 stars). 2 submissions from 2 submitters: Uncertain significance (2). Last evaluated 2023-11-02.

Conditions:
Inborn genetic diseases. Identifiers: MedGen C0950123, MeSH D030342.

Allele frequency attached by ClinVar (database versions not stated): gnomAD exomes below 0.00001.
gnomAD v4.1: 1 of 1,613,818 alleles (0.000062%); highest among the groups gnomAD compares: Non-Finnish European, 0.000085%; no homozygotes.

Submissions (2):

GeneDx
Classification: Uncertain significance. Last evaluated: 2023-11-02. Review status: criteria provided, single submitter. Criteria: GeneDx Variant Classification Process June 2021. Collection method: clinical testing. Allele origin: germline. Affected: yes.
Comment: Not observed at significant frequency in large population cohorts (gnomAD); In silico analysis supports that this missense variant does not alter protein structure/function; Has not been previously published as pathogenic or benign to our knowledge

Ambry Genetics
Classification: Uncertain significance for Inborn genetic diseases. Last evaluated: 2021-08-21. Review status: criteria provided, single submitter. Criteria: Ambry Variant Classification Scheme 2023. Collection method: clinical testing. Allele origin: germline.
Comment: The p.M278I variant (also known as c.834G>A), located in coding exon 4 of the PIK3CA gene, results from a G to A substitution at nucleotide position 834. The methionine at codon 278 is replaced by isoleucine, an amino acid with highly similar properties. This amino acid position is conserved. In addition, the in silico prediction for this alteration is inconclusive. Since supporting evidence is limited at this time, the clinical significance of this alteration remains unclear.